The following is an entry in ClinVar:

ClinVar aggregate classification (germline): Uncertain significance. Review status: criteria provided, multiple submitters, no conflicts (2 of 4 stars). 4 submissions from 4 submitters: Uncertain significance (4). Last evaluated 2025-01-16.

Allele frequency attached by ClinVar (database versions not stated): ExAC 0.00010; gnomAD 0.00012; ESP Exome Variant Server 0.00015; TOPMed 0.00015.
gnomAD v4.1: 211 of 1,609,214 alleles (0.013%); highest among the groups gnomAD compares: Non-Finnish European, 0.016%; no homozygotes.

Submissions (4):

Ambry Genetics
Classification: Uncertain significance. Last evaluated: 2025-01-16. Review status: criteria provided, single submitter. Criteria: Ambry Variant Classification Scheme 2023. Collection method: clinical testing. Allele origin: germline.

Blueprint Genetics
Classification: Uncertain significance. Last evaluated: 2024-07-12. Review status: criteria provided, single submitter. Criteria: ACMG Guidelines, 2015. Collection method: clinical testing. Allele origin: germline.

GeneDx
Classification: Uncertain significance. Last evaluated: 2023-10-13. Review status: criteria provided, single submitter. Criteria: GeneDx Variant Classification Process June 2021. Collection method: clinical testing. Allele origin: germline. Affected: yes.
Comment: In silico analysis supports that this missense variant does not alter protein structure/function; Has not been previously published as pathogenic or benign to our knowledge

Labcorp Genetics (formerly Invitae), Labcorp
Classification: Uncertain significance. Last evaluated: 2022-07-01. Review status: criteria provided, single submitter. Criteria: Invitae Variant Classification Sherloc (09022015). Collection method: clinical testing. Allele origin: germline.
Comment: In summary, the available evidence is currently insufficient to determine the role of this variant in disease. Therefore, it has been classified as a Variant of Uncertain Significance. Algorithms developed to predict the effect of missense changes on protein structure and function are either unavailable or do not agree on the potential impact of this missense change (SIFT: "Deleterious"; PolyPhen-2: "Benign"; Align-GVGD: "Class C0"). This variant has not been reported in the literature in individuals affected with KIAA0556-related conditions. This variant is present in population databases (rs373561292, gnomAD 0.02%). This sequence change replaces arginine, which is basic and polar, with glutamine, which is neutral and polar, at codon 318 of the KIAA0556 protein (p.Arg318Gln).

NM_015202.5(KATNIP):c.953G>A (p.Arg318Gln)

Gene: KATNIP (katanin interacting protein; plus strand). Cytogenetic location: 16p12.1.
Variant type: single nucleotide variant.
Coding change: c.953G>A on transcript NM_015202.5 (MANE Select); coding-DNA position 953, G replaced by A.
Protein change: p.Arg318Gln; replaces arginine 318 with glutamine.
Molecular consequence: missense variant.
Genome position (GRCh38, 1-based): chr16:27,698,340, G>A. VCF-style: chr16-27698340-G-A. GRCh37 (hg19) VCF-style: chr16-27709661-G-A.
Other names: c.953G>A (NM_015202.2, NM_015202.3); short protein forms R318Q.
Identifiers: ClinVar variation 2170401 (VCV002170401.8), dbSNP rs373561292, ClinGen allele CA7977527.